The following is an entry in ClinVar:

NM_017654.4(SAMD9):c.3608T>C (p.Val1203Ala)

Gene: SAMD9 (sterile alpha motif domain containing 9; minus strand). Cytogenetic location: 7q21.2.
Variant type: single nucleotide variant.
Coding change: c.3608T>C on transcript NM_017654.4 (MANE Select); coding-DNA position 3608, T replaced by C.
Protein change: p.Val1203Ala; replaces valine 1203 with alanine.
Molecular consequence: missense variant.
Genome position (GRCh38, 1-based): chr7:93,102,490, A>G on the plus strand (T>C on the coding strand, the complement: SAMD9 is on the minus strand). VCF-style: chr7-93102490-A-G. GRCh37 (hg19) VCF-style: chr7-92731803-A-G.
Other names: c.3608T>C, p.Val1203Ala (NM_001193307.2); short protein forms V1203A.
Identifiers: ClinVar variation 4802474 (VCV004802474.1).

ClinVar aggregate classification (germline): Uncertain significance (1 of 4 stars; one submission).

Submission:

Labcorp Genetics (formerly Invitae), Labcorp
Classification: Uncertain significance. Last evaluated: 2025-10-07. Review status: criteria provided, single submitter. Criteria: Invitae Variant Classification Sherloc (09022015). Collection method: clinical testing. Allele origin: germline.
Comment: This sequence change replaces valine, which is neutral and non-polar, with alanine, which is neutral and non-polar, at codon 1203 of the SAMD9 protein (p.Val1203Ala). This variant is not present in population databases (gnomAD no frequency). This variant has not been reported in the literature in individuals affected with SAMD9-related conditions. Invitae Evidence Modeling of protein sequence and biophysical properties (such as structural, functional, and spatial information, amino acid conservation, physicochemical variation, residue mobility, and thermodynamic stability) indicates that this missense variant is not expected to disrupt SAMD9 protein function with a negative predictive value of 95%. In summary, the available evidence is currently insufficient to determine the role of this variant in disease. Therefore, it has been classified as a Variant of Uncertain Significance.